The following is an entry in ClinVar:

NM_006648.4(WNK2):c.3890A>G (p.Asn1297Ser)

Gene: WNK2 (WNK lysine deficient protein kinase 2; plus strand). Cytogenetic location: 9q22.31.
Variant type: single nucleotide variant.
Coding change: c.3890A>G on transcript NM_006648.4 (MANE Select); coding-DNA position 3890, A replaced by G.
Protein change: p.Asn1297Ser; replaces asparagine 1297 with serine.
Molecular consequence: missense variant.
Genome position (GRCh38, 1-based): chr9:93,268,042, A>G. VCF-style: chr9-93268042-A-G. GRCh37 (hg19) VCF-style: chr9-96030324-A-G.
Other names: c.3890A>G, p.Asn1297Ser (NM_001282394.3); short protein forms N1297S.
Identifiers: ClinVar variation 2492144 (VCV002492144.3), dbSNP rs756654439, ClinGen allele CA5130120.
Genomic context (GRCh38, chr9:93,268,042, plus strand): 5'-GCTCAGTGGGCTCATTTCTGACCCTCCACCTCATTCAGGAGAGCCGACAATCCCAAGCCA[A>G]CGCCCCCGTGTATCAGCAGAACGGTGAGTCTGCAACTTCCCTCCCTGCTTTTAAGCAGGC-3'
Protein context (NP_006639.3, residues 1287-1307): TGEESRQSQA[Asn1297Ser]APVYQQNVLH

ClinVar aggregate classification (germline): Uncertain significance (1 of 4 stars; one submission).

Allele frequency attached by ClinVar (database versions not stated): TOPMed below 0.00001; ExAC 0.00001; gnomAD 0.00001.
gnomAD v4.1: 12 of 1,612,042 alleles (0.00074%); highest among the groups gnomAD compares: East Asian, 0.0022%; no homozygotes.

Submission:

Ambry Genetics
Classification: Uncertain significance. Last evaluated: 2025-07-07. Review status: criteria provided, single submitter. Criteria: Ambry Variant Classification Scheme 2023. Collection method: clinical testing. Allele origin: germline.
Comment: The p.N1297S variant (also known as c.3890A>G), located in coding exon 17 of the WNK2 gene, results from an A to G substitution at nucleotide position 3890. The asparagine at codon 1297 is replaced by serine, an amino acid with highly similar properties. This amino acid position is conserved. In addition, this alteration is predicted to be tolerated by in silico analysis. Based on the available evidence, the clinical significance of this variant remains unclear.